The following is an entry in ClinVar:

NM_021076.4(NEFH):c.481G>A (p.Gly161Ser)

Gene: NEFH (neurofilament heavy chain; plus strand). Cytogenetic location: 22q12.2.
Variant type: single nucleotide variant.
Coding change: c.481G>A on transcript NM_021076.4 (MANE Select); coding-DNA position 481, G replaced by A.
Protein change: p.Gly161Ser; replaces glycine 161 with serine.
Molecular consequence: missense variant.
Genome position (GRCh38, 1-based): chr22:29,480,743, G>A. VCF-style: chr22-29480743-G-A. GRCh37 (hg19) VCF-style: chr22-29876732-G-A.
Other names: short protein forms G161S.
Identifiers: ClinVar variation 3609914 (VCV003609914.2).
Genomic context (GRCh38, chr22:29,480,743, plus strand): 5'-GCTATGGGCGAGCTGTACGAGCGCGAGGTCCGCGAGATGCGCGGCGCGGTGCTGCGCCTG[G>A]GCGCGGCGCGCGGTCAGCTACGCCTGGAGCAGGAGCACCTGCTCGAGGACATCGCGCACG-3'
Protein context (NP_066554.2, residues 151-171): REMRGAVLRL[Gly161Ser]AARGQLRLEQ

ClinVar aggregate classification (germline): Uncertain significance (1 of 4 stars; one submission).

gnomAD v4.1: 1 of 1,452,356 alleles (0.000069%); highest among the groups gnomAD compares: Admixed American, 0.0028%; no homozygotes.

Submission:

Labcorp Genetics (formerly Invitae), Labcorp
Classification: Uncertain significance. Last evaluated: 2024-05-25. Review status: criteria provided, single submitter. Criteria: Invitae Variant Classification Sherloc (09022015). Collection method: clinical testing. Allele origin: germline.
Comment: This sequence change replaces glycine, which is neutral and non-polar, with serine, which is neutral and polar, at codon 161 of the NEFH protein (p.Gly161Ser). This variant is not present in population databases (gnomAD no frequency). This variant has not been reported in the literature in individuals affected with NEFH-related conditions. Advanced modeling of protein sequence and biophysical properties (such as structural, functional, and spatial information, amino acid conservation, physicochemical variation, residue mobility, and thermodynamic stability) performed at Invitae indicates that this missense variant is not expected to disrupt NEFH protein function with a negative predictive value of 95%. In summary, the available evidence is currently insufficient to determine the role of this variant in disease. Therefore, it has been classified as a Variant of Uncertain Significance.